The following is an entry in ClinVar:

NM_000512.5(GALNS):c.566+10C>T

Gene: GALNS (galactosamine (N-acetyl)-6-sulfatase; minus strand). Cytogenetic location: 16q24.3.
Variant type: single nucleotide variant.
Coding change: c.566+10C>T on transcript NM_000512.5 (MANE Select); 10 bases into the intron after coding-DNA position 566, C replaced by T.
Molecular consequence: intron variant.
Genome position (GRCh38, 1-based): chr16:88,837,612, G>A on the plus strand (C>T on the coding strand, the complement: GALNS is on the minus strand). VCF-style: chr16-88837612-G-A. GRCh37 (hg19) VCF-style: chr16-88904020-G-A.
Other names: c.11+10C>T (NM_001323543.2); c.584+10C>T (NM_001323544.2).
Identifiers: ClinVar variation 321202 (VCV000321202.23), dbSNP rs77514811, ClinGen allele CA8235109.

ClinVar aggregate classification (germline): Benign. Review status: criteria provided, multiple submitters, no conflicts (2 of 4 stars). 5 submissions from 5 submitters: Benign (4). 1 of the submissions does not count toward it. Last evaluated 2026-01-31.

Conditions:
Mucopolysaccharidosis, MPS-IV-A (MPS4A). Also called: Mucopolysaccharidosis type IV A; Mucopolysaccharidosis Type IVA; Morquio syndrome A, mild; MORQUIO SYNDROME A; MPS IVA; mucopolysaccharidosis type 4A. Identifiers: Orphanet 309297, Orphanet 582, MedGen C0086651, MONDO:0009659, OMIM 253000.

Allele frequency attached by ClinVar (database versions not stated): 1000 Genomes Project 30x 0.01765; 1000 Genomes Project 0.01777; gnomAD exomes 0.00138 and 0.00390; ExAC 0.00482; gnomAD 0.01442 and 0.01544; ESP Exome Variant Server 0.01654; TOPMed 0.01717.
gnomAD v4.1: 4,318 of 1,612,104 alleles (0.27%); highest among the groups gnomAD compares: African/African-American, 4.9%; 84 homozygotes.

Submissions (5):

Labcorp Genetics (formerly Invitae), Labcorp
Classification: Benign for Mucopolysaccharidosis, MPS-IV-A. Last evaluated: 2026-01-31. Review status: criteria provided, single submitter. Criteria: Invitae Variant Classification Sherloc (09022015). Collection method: clinical testing. Allele origin: germline.

Genome-Nilou Lab
Classification: Benign for Mucopolysaccharidosis, MPS-IV-A. Last evaluated: 2021-11-07. Review status: criteria provided, single submitter. Criteria: ACMG Guidelines, 2015. Collection method: clinical testing. Allele origin: germline. Affected: no.

GeneDx
Classification: Benign. Last evaluated: 2020-02-03. Review status: criteria provided, single submitter. Criteria: GeneDx Variant Classification Process June 2021. Collection method: clinical testing. Allele origin: germline. Affected: yes.

Illumina Laboratory Services, Illumina
Classification: Benign for Mucopolysaccharidosis, MPS-IV-A. Last evaluated: 2018-01-12. Review status: criteria provided, single submitter. Criteria: ICSL Variant Classification Criteria 13 December 2019. Collection method: clinical testing. Allele origin: germline.
Comment: This variant was observed in the ICSL laboratory as part of a predisposition screen in an ostensibly healthy population. It had not been previously curated by ICSL or reported in the Human Gene Mutation Database (HGMD: prior to June 1st, 2018), and was therefore a candidate for classification through an automated scoring system. Utilizing variant allele frequency, disease prevalence and penetrance estimates, and inheritance mode, an automated score was calculated to assess if this variant is too frequent to cause the disease. Based on the score and internal cut-off values, a variant classified as benign is not then subjected to further curation. The score for this variant resulted in a classification of benign for this disease.

Mayo Clinic Laboratories, Mayo Clinic
Classification: Benign. Last evaluated: 2017-09-27. Review status: no assertion criteria provided. Collection method: clinical testing. Allele origin: unknown. Not counted in ClinVar's aggregate classification.